The following is an entry in ClinVar:

ClinVar aggregate classification (germline): Conflicting classifications of pathogenicity. Review status: criteria provided, conflicting classifications (1 of 4 stars). 2 submissions from 2 submitters: Uncertain significance (1); Likely benign (1). Last evaluated 2024-08-20.

Conditions:
Gorlin syndrome. Also called: Nevoid Basal Cell Carcinoma Syndrome; Basal cell nevus syndrome. Identifiers: Orphanet 377, MedGen C0004779, MONDO:0007187.
Hereditary cancer-predisposing syndrome. Also called: Hereditary neoplastic syndrome; Neoplastic Syndromes, Hereditary; Tumor predisposition; Hereditary Cancer Syndrome. Identifiers: Orphanet 140162, MedGen C0027672, MeSH D009386, MONDO:0015356.

Allele frequency attached by ClinVar (database versions not stated): gnomAD exomes 0.00001 and 0.00002; ExAC 0.00002.
gnomAD v4.1: 9 of 1,614,096 alleles (0.00056%); highest among the groups gnomAD compares: Non-Finnish European, 0.00076%; no homozygotes.

Submissions (2):

Ambry Genetics
Classification: Uncertain significance for Hereditary cancer-predisposing syndrome. Last evaluated: 2024-08-20. Review status: criteria provided, single submitter. Criteria: Ambry Variant Classification Scheme 2023. Collection method: clinical testing. Allele origin: germline.
Comment: The c.654+4T>C intronic variant results from a T to C substitution 4 nucleotides after coding exon 4 in the PTCH1 gene. This nucleotide position is not well conserved in available vertebrate species. In silico splice site analysis predicts that this alteration will not have any significant effect on splicing. Based on the available evidence, the clinical significance of this variant remains unclear.

Labcorp Genetics (formerly Invitae), Labcorp
Classification: Likely benign for Gorlin syndrome. Last evaluated: 2022-11-28. Review status: criteria provided, single submitter. Criteria: Invitae Variant Classification Sherloc (09022015). Collection method: clinical testing. Allele origin: germline.

NM_000264.5(PTCH1):c.654+4T>C

Gene: PTCH1 (patched 1; minus strand). Cytogenetic location: 9q22.32.
Variant type: single nucleotide variant.
Coding change: c.654+4T>C on transcript NM_000264.5 (MANE Select); 4 bases into the intron after coding-DNA position 654, T replaced by C.
Molecular consequence: intron variant.
Genome position (GRCh38, 1-based): chr9:95,482,130, A>G on the plus strand (T>C on the coding strand, the complement: PTCH1 is on the minus strand). VCF-style: chr9-95482130-A-G. GRCh37 (hg19) VCF-style: chr9-98244412-A-G.
Other names: c.651+4T>C (NM_001083603.3); c.456+4T>C (NM_001083602.3, NM_001354919.2); c.654+4T>C (NM_001354918.2, NM_000264.3); c.201+4T>C (NM_001083605.3, NM_001083604.3, NM_001083606.3 and 1 more transcripts).
Identifiers: ClinVar variation 1008350 (VCV001008350.10), dbSNP rs758839801, ClinGen allele CA5138888.
Genomic context (GRCh38, chr9:95,482,130, plus strand): 5'-GTTAGGTTAAGGCACACTACTGGGGTGTTCCTGAGAAATTTTTGCCAACAAGAAGAAAAT[A>G]TACCTGATCCATGTAACCTGTTTCTGTGATAAGCTCTCCTGATTTGTAACACAAATGTTC-3'